The following is an entry in ClinVar:

NM_001378615.1(CC2D2A):c.3249G>A (p.Thr1083=)

Genes: CC2D2A (coiled-coil and C2 domain containing 2A; plus strand), FBXL5 (F-box and leucine rich repeat protein 5; minus strand). Cytogenetic location: 4p15.32.
Variant type: single nucleotide variant.
Coding change: c.3249G>A on transcript NM_001378615.1 (MANE Select); coding-DNA position 3249, G replaced by A.
Protein change: p.Thr1083=; no amino-acid change (threonine 1083 retained).
Molecular consequence: synonymous variant.
Genome position (GRCh38, 1-based): chr4:15,567,443, G>A. VCF-style: chr4-15567443-G-A. GRCh37 (hg19) VCF-style: chr4-15569066-G-A.
Other names: c.3249G>A, p.Thr1083= (NM_001080522.2); c.3102G>A, p.Thr1034= (NM_001378617.1).
Identifiers: ClinVar variation 1119647 (VCV001119647.12), dbSNP rs200431110, ClinGen allele CA2864114.

ClinVar aggregate classification (germline): Likely benign. Review status: criteria provided, multiple submitters, no conflicts (2 of 4 stars). 3 submissions from 3 submitters: Likely benign (2). 1 of the submissions does not count toward it. Last evaluated 2025-09-26.

Conditions:
Joubert syndrome. Also called: JOUBERT-BOLTSHAUSER SYNDROME; Familial aplasia of the vermis. Identifiers: Orphanet 475, MedGen C5979921, MONDO:0018772.
Meckel-Gruber syndrome. Also called: DYSENCEPHALIA SPLANCHNOCYSTICA; GRUBER SYNDROME; Dysencephalia splachnocystica. Identifiers: Orphanet 564, MedGen C0265215, MONDO:0018921.
CC2D2A-related disorder. Also called: CC2D2A-related disorders; CC2D2A-related condition. Identifiers: MedGen CN239313.

Allele frequency attached by ClinVar (database versions not stated): TOPMed below 0.00001; gnomAD 0.00001; ExAC 0.00004; gnomAD exomes 0.00007.
gnomAD v4.1: 51 of 1,613,264 alleles (0.0032%); highest among the groups gnomAD compares: Admixed American, 0.0067%; no homozygotes.

Submissions (3):

Labcorp Genetics (formerly Invitae), Labcorp
Classification: Likely benign for Joubert syndrome; Meckel-Gruber syndrome. Last evaluated: 2025-09-26. Review status: criteria provided, single submitter. Criteria: Invitae Variant Classification Sherloc (09022015). Collection method: clinical testing. Allele origin: germline.

Blueprint Genetics
Classification: Likely benign. Last evaluated: 2024-10-28. Review status: criteria provided, single submitter. Criteria: ACMG Guidelines, 2015. Collection method: clinical testing. Allele origin: germline.

PreventionGenetics, part of Exact Sciences
Classification: Likely benign for CC2D2A-related condition. Last evaluated: 2021-03-29. Review status: no assertion criteria provided. Collection method: clinical testing. Allele origin: germline. Not counted in ClinVar's aggregate classification.
Comment: This variant is classified as likely benign based on ACMG/AMP sequence variant interpretation guidelines (Richards et al. 2015 PMID: 25741868, with internal and published modifications).